The following is an entry in ClinVar:

NM_001253697.2(ERBIN):c.3286C>T (p.Arg1096Trp)

Gene: ERBIN (erbb2 interacting protein; plus strand). Cytogenetic location: 5q12.3.
Variant type: single nucleotide variant.
Coding change: c.3286C>T on transcript NM_001253697.2 (MANE Select); coding-DNA position 3286, C replaced by T.
Protein change: p.Arg1096Trp; replaces arginine 1096 with tryptophan.
Molecular consequence: missense variant.
Genome position (GRCh38, 1-based): chr5:66,054,604, C>T. VCF-style: chr5-66054604-C-T. GRCh37 (hg19) VCF-style: chr5-65350432-C-T.
Other names: c.3286C>T, p.Arg1096Trp (NM_001006600.3, NM_001253698.2, NM_001253699.2 and 1 more transcripts); c.3274C>T, p.Arg1092Trp (NM_001253701.2); short protein forms R1092W, R1096W.
Identifiers: ClinVar variation 1510728 (VCV001510728.8), dbSNP rs369672448, ClinGen allele CA3286629.

ClinVar aggregate classification (germline): Uncertain significance (1 of 4 stars; one submission).

Allele frequency attached by ClinVar (database versions not stated): ExAC 0.00002; gnomAD exomes 0.00002 and 0.00005; gnomAD 0.00003; TOPMed 0.00004; ESP Exome Variant Server 0.00008.
gnomAD v4.1: 79 of 1,613,972 alleles (0.0049%); highest among the groups gnomAD compares: Middle Eastern, 0.016%; no homozygotes.

Submission:

Labcorp Genetics (formerly Invitae), Labcorp
Classification: Uncertain significance. Last evaluated: 2026-01-21. Review status: criteria provided, single submitter. Criteria: Invitae Variant Classification Sherloc (09022015). Collection method: clinical testing. Allele origin: germline.
Comment: This sequence change replaces arginine, which is basic and polar, with tryptophan, which is neutral and slightly polar, at codon 1096 of the ERBIN protein (p.Arg1096Trp). This variant is present in population databases (rs369672448, gnomAD 0.004%). This variant has not been reported in the literature in individuals affected with ERBIN-related conditions. ClinVar contains an entry for this variant (Variation ID: 1510728). An algorithm developed to predict the effect of missense changes on protein structure and function (PolyPhen-2) suggests that this variant is likely to be tolerated. In summary, the available evidence is currently insufficient to determine the role of this variant in disease. Therefore, it has been classified as a Variant of Uncertain Significance.